The following is an entry in ClinVar:

NM_002769.5(PRSS1):c.715A>T (p.Ile239Phe)

Genes: PRSS1 (serine protease 1; plus strand), TRB (T cell receptor beta locus; plus strand). Cytogenetic location: 7q34.
Variant type: single nucleotide variant.
Coding change: c.715A>T on transcript NM_002769.5 (MANE Select); coding-DNA position 715, A replaced by T.
Protein change: p.Ile239Phe; replaces isoleucine 239 with phenylalanine.
Molecular consequence: missense variant. On other transcripts: non-coding transcript variant (5).
Genome position (GRCh38, 1-based): chr7:142,752,991, A>T. VCF-style: chr7-142752991-A-T. GRCh37 (hg19) VCF-style: chr7-142460842-A-T.
Other names: short protein forms I239F.
Identifiers: ClinVar variation 3310641 (VCV003310641.1).

ClinVar aggregate classification (germline): Uncertain significance (1 of 4 stars; one submission).

Conditions:
Hereditary pancreatitis (PCTT). Also called: PRSS1-Related Hereditary Pancreatitis; Hereditary chronic pancreatitis. Identifiers: Orphanet 676, MedGen C0238339, MONDO:0008185, OMIM 167800.

Submission:

Ambry Genetics
Classification: Uncertain significance for Hereditary pancreatitis. Last evaluated: 2024-03-19. Review status: criteria provided, single submitter. Criteria: Ambry Variant Classification Scheme 2023. Collection method: clinical testing. Allele origin: germline.
Comment: The p.I239F variant (also known as c.715A>T), located in coding exon 5 of the PRSS1 gene, results from an A to T substitution at nucleotide position 715. The isoleucine at codon 239 is replaced by phenylalanine, an amino acid with highly similar properties. This amino acid position is conserved. In addition, this alteration is predicted to be deleterious by in silico analysis. Based on the available evidence, the clinical significance of this alteration remains unclear.